The following is an entry in ClinVar:

NM_015450.3(POT1):c.790C>T (p.His264Tyr)

Gene: POT1 (protection of telomeres 1; minus strand). Cytogenetic location: 7q31.33.
Variant type: single nucleotide variant.
Coding change: c.790C>T on transcript NM_015450.3 (MANE Select); coding-DNA position 790, C replaced by T.
Protein change: p.His264Tyr; replaces histidine 264 with tyrosine.
Molecular consequence: missense variant. On other transcripts: non-coding transcript variant (3).
Genome position (GRCh38, 1-based): chr7:124,853,051, G>A on the plus strand (C>T on the coding strand, the complement: POT1 is on the minus strand). VCF-style: chr7-124853051-G-A. GRCh37 (hg19) VCF-style: chr7-124493105-G-A.
Other names: c.397C>T, p.His133Tyr (NM_001042594.2); short protein forms H264Y, H133Y.
Identifiers: ClinVar variation 967296 (VCV000967296.11), dbSNP rs1795352779, ClinGen allele CA369055445.
Genomic context (GRCh38, chr7:124,853,051, plus strand): 5'-CAGAGTTACTTTCTGGCAAGACCCTGATTCCCCGACCGTAACTGGTACCTCCATGAAGAT[G>A]AAACTCTAAACTTAACATTGTCTGATTCTCTGAATTCATTGATTGAAGTTTGGTATGAAG-3'
Protein context (NP_056265.2, residues 254-274): ENQTMLSLEF[His264Tyr]LHGGTSYGRG

ClinVar aggregate classification (germline): Uncertain significance. Review status: criteria provided, multiple submitters, no conflicts (2 of 4 stars). 2 submissions from 2 submitters: Uncertain significance (2). Last evaluated 2025-03-24.

Conditions:
Tumor predisposition syndrome 3 (TPDS3). Also called: Melanoma, cutaneous malignant, susceptibility to, 10; Glioma susceptibility 9; LONG TELOMERE SYNDROME, POT1-RELATED; POT1 Tumor Predisposition. Identifiers: Orphanet 618, MedGen C4014476, MONDO:0014368, OMIM 615848.

Submissions (2):

Quest Diagnostics Nichols Institute San Juan Capistrano
Classification: Uncertain significance. Last evaluated: 2025-03-24. Review status: criteria provided, single submitter. Criteria: Quest Diagnostics criteria. Collection method: clinical testing. Allele origin: unknown.
Comment: The POT1 c.790C>T (p.His264Tyr) variant has not been reported in individuals with POT1-related conditions in the published literature. It also has not been reported in large, multi-ethnic general populations (Genome Aggregation Database). Analysis of this variant using bioinformatics tools for the prediction of the effect of amino acid changes on protein structure and function yielded predictions that this variant is damaging. Based on the available information, we are unable to determine the clinical significance of this variant.

Labcorp Genetics (formerly Invitae), Labcorp
Classification: Uncertain significance for Tumor predisposition syndrome 3. Last evaluated: 2024-04-24. Review status: criteria provided, single submitter. Criteria: Invitae Variant Classification Sherloc (09022015). Collection method: clinical testing. Allele origin: germline.
Comment: This sequence change replaces histidine, which is basic and polar, with tyrosine, which is neutral and polar, at codon 264 of the POT1 protein (p.His264Tyr). This variant is not present in population databases (gnomAD no frequency). This variant has not been reported in the literature in individuals affected with POT1-related conditions. ClinVar contains an entry for this variant (Variation ID: 967296). Advanced modeling of protein sequence and biophysical properties (such as structural, functional, and spatial information, amino acid conservation, physicochemical variation, residue mobility, and thermodynamic stability) performed at Invitae indicates that this missense variant is not expected to disrupt POT1 protein function with a negative predictive value of 80%. In summary, the available evidence is currently insufficient to determine the role of this variant in disease. Therefore, it has been classified as a Variant of Uncertain Significance.